The following is an entry in ClinVar:

ClinVar aggregate classification (germline): Uncertain significance (1 of 4 stars; one submission).

Submission:

Labcorp Genetics (formerly Invitae), Labcorp
Classification: Uncertain significance. Last evaluated: 2024-02-24. Review status: criteria provided, single submitter. Criteria: Invitae Variant Classification Sherloc (09022015). Collection method: clinical testing. Allele origin: germline.
Comment: This sequence change replaces serine, which is neutral and polar, with glycine, which is neutral and non-polar, at codon 1035 of the LRP5 protein (p.Ser1035Gly). This variant is not present in population databases (gnomAD no frequency). This variant has not been reported in the literature in individuals affected with LRP5-related conditions. ClinVar contains an entry for this variant (Variation ID: 1479897). Advanced modeling of protein sequence and biophysical properties (such as structural, functional, and spatial information, amino acid conservation, physicochemical variation, residue mobility, and thermodynamic stability) performed at Invitae indicates that this missense variant is not expected to disrupt LRP5 protein function with a negative predictive value of 95%. In summary, the available evidence is currently insufficient to determine the role of this variant in disease. Therefore, it has been classified as a Variant of Uncertain Significance.

NM_002335.4(LRP5):c.3103A>G (p.Ser1035Gly)

Gene: LRP5 (LDL receptor related protein 5; plus strand). Cytogenetic location: 11q13.2.
Variant type: single nucleotide variant.
Coding change: c.3103A>G on transcript NM_002335.4 (MANE Select); coding-DNA position 3103, A replaced by G.
Protein change: p.Ser1035Gly; replaces serine 1035 with glycine.
Molecular consequence: missense variant.
Genome position (GRCh38, 1-based): chr11:68,423,564, A>G. VCF-style: chr11-68423564-A-G. GRCh37 (hg19) VCF-style: chr11-68191032-A-G.
Other names: c.1360A>G, p.Ser454Gly (NM_001291902.2); short protein forms S454G, S1035G.
Identifiers: ClinVar variation 1479897 (VCV001479897.8), dbSNP rs2153173032, ClinGen allele CA381620721.